The following is an entry in ClinVar:

NC_000017.10:g.(?_78188510)_(78190896_?)del

Gene: SGSH (N-sulfoglucosamine sulfohydrolase; minus strand). Cytogenetic location: 17q25.3.
Variant type: Deletion.
Identifiers: ClinVar variation 2422572 (VCV002422572.4).

ClinVar aggregate classification (germline): Pathogenic (1 of 4 stars; one submission).

Conditions:
Mucopolysaccharidosis, MPS-III-A (MPS3A). Also called: HEPARAN SULFATE SULFATASE DEFICIENCY; SANFILIPPO SYNDROME A; SULFAMIDASE DEFICIENCY; MUCOPOLYSACCHARIDOSIS, TYPE IIIA, ATTENUATED; Mucopolysaccharidosis, type IIIA; mucopolysaccharidosis type 3A. Identifiers: Orphanet 581, Orphanet 79269, MedGen C0086647, MONDO:0009655, OMIM 252900.

Submission:

Labcorp Genetics (formerly Invitae), Labcorp
Classification: Pathogenic for Mucopolysaccharidosis, MPS-III-A. Last evaluated: 2022-01-07. Review status: criteria provided, single submitter. Criteria: Invitae Variant Classification Sherloc (09022015). Collection method: clinical testing. Allele origin: germline.
Comment: For these reasons, this variant has been classified as Pathogenic. This variant has not been reported in the literature in individuals affected with SGSH-related conditions. This variant results in the deletion of exon 3 and parts of exons 2 and 4 (c.184_410del) of the SGSH gene. This deletion is out-of-frame, and is expected to create a premature termination codon and result in an absent or disrupted protein product. Loss-of-function variants in SGSH are known to be pathogenic (PMID: 11182930, 21204211, 22976768).

Literature cited by the submitters: PubMed 11182930; PubMed 21204211; PubMed 22976768.